The following is an entry in ClinVar:

ClinVar aggregate classification (germline): Uncertain significance (1 of 4 stars; one submission).

Conditions:
Classic or attenuated familial adenomatous polyposis. Identifiers: MedGen CN372698, MONDO:0021057.

Submission:

All of Us Research Program, National Institutes of Health
Classification: Uncertain significance for Classic or attenuated familial adenomatous polyposis. Last evaluated: 2023-06-26. Review status: criteria provided, single submitter. Criteria: ACMG Guidelines, 2015. Collection method: clinical testing. Allele origin: germline. Inheritance: Autosomal dominant inheritance. Observed: 1 variant allele, 1 heterozygote.
Comment: This missense variant replaces asparagine with lysine at codon 1800 of the APC protein. Computational prediction suggests that this variant may not impact protein structure and function (internally defined REVEL score threshold <= 0.5, PMID: 27666373). To our knowledge, functional studies have not been reported for this variant. This variant has not been reported in individuals affected with APC-related disorders in the literature. This variant has not been identified in the general population by the Genome Aggregation Database (gnomAD). The available evidence is insufficient to determine the role of this variant in disease conclusively. Therefore, this variant is classified as a Variant of Uncertain Significance.

This study involves interpretation of variants in research participants for the purpose of population health screening. Participant phenotype was not available at the time of variant classification. Additional details can be found in publication PMID: 35346344, PMCID: PMC8962531

NM_000038.6(APC):c.5400T>G (p.Asn1800Lys)

Gene: APC (APC regulator of WNT signaling pathway; plus strand). Cytogenetic location: 5q22.2.
Variant type: single nucleotide variant.
Coding change: c.5400T>G on transcript NM_000038.6 (MANE Select); coding-DNA position 5400, T replaced by G.
Protein change: p.Asn1800Lys; replaces asparagine 1800 with lysine.
Molecular consequence: missense variant. On other transcripts: non-coding transcript variant (2).
Genome position (GRCh38, 1-based): chr5:112,840,994, T>G. VCF-style: chr5-112840994-T-G. GRCh37 (hg19) VCF-style: chr5-112176691-T-G.
Other names: c.5400T>G, p.Asn1800Lys (NM_001127510.3, NM_001354895.2, NM_001407450.1); c.5346T>G, p.Asn1782Lys (NM_001127511.3); c.5454T>G, p.Asn1818Lys (NM_001354896.2, NM_001407447.1, NM_001407448.1 and 1 more transcripts); c.5430T>G, p.Asn1810Lys (NM_001354897.2); c.5325T>G, p.Asn1775Lys (NM_001354898.2); c.5316T>G, p.Asn1772Lys (NM_001354899.2); c.5277T>G, p.Asn1759Lys (NM_001354900.2); c.5223T>G, p.Asn1741Lys (NM_001354901.2, NM_001407453.1); and 11 more; short protein forms N1416K, N1517K, N1640K, N1671K, N1674K, N1699K, N1709K, N1717K.
Identifiers: ClinVar variation 3072000 (VCV003072000.1), dbSNP rs376290290, ClinGen allele CA16033136.
Genomic context (GRCh38, chr5:112,840,994, plus strand): 5'-ACAAAATACTGAATATAGGACACGTGTAAGAAAAAATGCAGACTCAAAAAATAATTTAAA[T>G]GCTGAGAGAGTTTTCTCAGACAACAAAGATTCAAAGAAACAGAATTTGAAAAATAATTCC-3'
Protein context (NP_000029.2, residues 1790-1810): RKNADSKNNL[Asn1800Lys]AERVFSDNKD